The following is an entry in ClinVar:

NM_001378454.1(ALMS1):c.3563T>G (p.Leu1188Arg)

Gene: ALMS1 (ALMS1 centrosome and basal body associated protein; plus strand). Cytogenetic location: 2p13.1.
Variant type: single nucleotide variant.
Coding change: c.3563T>G on transcript NM_001378454.1 (MANE Select); coding-DNA position 3563, T replaced by G.
Protein change: p.Leu1188Arg; replaces leucine 1188 with arginine.
Molecular consequence: missense variant.
Genome position (GRCh38, 1-based): chr2:73,450,090, T>G. VCF-style: chr2-73450090-T-G. GRCh37 (hg19) VCF-style: chr2-73677217-T-G.
Other names: c.3566T>G, p.Leu1189Arg (NM_015120.4); short protein forms L1189R, L1188R.
Identifiers: ClinVar variation 1732746 (VCV001732746.6), dbSNP rs745802005, ClinGen allele CA347275922.
Genomic context (GRCh38, chr2:73,450,090, plus strand): 5'-CTCAGAAAGTTTCAGCTGTTACTGGACCAGGTAACCAGAAGACTTGGATACCAAGAGTAC[T>G]TTCTACCTTCTACTCACAAAGAGAGAAACCTGGTATTTTCTATCAACAGACCTTGCCAGG-3'
Protein context (NP_001365383.1, residues 1178-1198): GNQKTWIPRV[Leu1188Arg]STFYSQREKP

ClinVar aggregate classification (germline): Uncertain significance. Review status: criteria provided, multiple submitters, no conflicts (2 of 4 stars). 2 submissions from 2 submitters: Uncertain significance (2). Last evaluated 2024-05-15.

Conditions:
Cardiovascular phenotype. Identifiers: MedGen CN230736.
Alstrom syndrome (ALMS). Identifiers: Orphanet 64, MedGen C0268425, MONDO:0008763, OMIM 203800.

Submissions (2):

Labcorp Genetics (formerly Invitae), Labcorp
Classification: Uncertain significance for Alstrom syndrome. Last evaluated: 2024-05-15. Review status: criteria provided, single submitter. Criteria: Invitae Variant Classification Sherloc (09022015). Collection method: clinical testing. Allele origin: germline.
Comment: This sequence change replaces leucine, which is neutral and non-polar, with arginine, which is basic and polar, at codon 1189 of the ALMS1 protein (p.Leu1189Arg). This variant is not present in population databases (gnomAD no frequency). This variant has not been reported in the literature in individuals affected with ALMS1-related conditions. ClinVar contains an entry for this variant (Variation ID: 1732746). Experimental studies and prediction algorithms are not available or were not evaluated, and the functional significance of this variant is currently unknown. In summary, the available evidence is currently insufficient to determine the role of this variant in disease. Therefore, it has been classified as a Variant of Uncertain Significance.

Ambry Genetics
Classification: Uncertain significance for Cardiovascular phenotype. Last evaluated: 2019-09-20. Review status: criteria provided, single submitter. Criteria: Ambry Variant Classification Scheme 2023. Collection method: clinical testing. Allele origin: germline.
Comment: The p.L1189R variant (also known as c.3566T>G), located in coding exon 8 of the ALMS1 gene, results from a T to G substitution at nucleotide position 3566. The leucine at codon 1189 is replaced by arginine, an amino acid with dissimilar properties. This amino acid position is not well conserved in available vertebrate species. In addition, this alteration is predicted to be tolerated by in silico analysis. Since supporting evidence is limited at this time, the clinical significance of this alteration remains unclear.